The following is an entry in ClinVar:

NM_001370298.3(FGD4):c.1699C>T (p.Leu567Phe)

Gene: FGD4 (FYVE, RhoGEF and PH domain containing 4; plus strand). Cytogenetic location: 12p11.21.
Variant type: single nucleotide variant.
Coding change: c.1699C>T on transcript NM_001370298.3 (MANE Select); coding-DNA position 1699, C replaced by T.
Protein change: p.Leu567Phe; replaces leucine 567 with phenylalanine.
Molecular consequence: missense variant.
Genome position (GRCh38, 1-based): chr12:32,611,233, C>T. VCF-style: chr12-32611233-C-T. GRCh37 (hg19) VCF-style: chr12-32764167-C-T.
Other names: c.1009C>T, p.Leu337Phe (NM_001330374.2, NM_001384130.1, NM_001330373.2); c.736C>T, p.Leu246Phe (NM_001370297.1); c.1699C>T, p.Leu567Phe (NM_001384126.1); c.1288C>T, p.Leu430Phe (NM_001384127.1, NM_001384128.1, NM_001385118.1 and 1 more transcripts); c.1543C>T, p.Leu515Phe (NM_001304481.2); c.544C>T, p.Leu182Phe (NM_001304483.2); c.256C>T, p.Leu86Phe (NM_001304484.2); short protein forms L182F, L246F, L337F, L430F, L515F, L567F, L86F.
Identifiers: ClinVar variation 3026589 (VCV003026589.22), dbSNP rs2540705650, ClinGen allele CA384361156.
Genomic context (GRCh38, chr12:32,611,233, plus strand): 5'-TTGGGAGAAGAAGAAGACATTGTAAACCCTTCAAATGAACTAATAAAAGAAGGACAGATC[C>T]TCAAACTAGCTGCTCGGAACACTTCAGCACAAGAACGCTACCTTTTCTTAGTGAGTATTA-3'
Protein context (NP_001357227.2, residues 557-577): SNELIKEGQI[Leu567Phe]KLAARNTSAQ

ClinVar aggregate classification (germline): Uncertain significance (1 of 4 stars; one submission).

Submission:

CeGaT Center for Human Genetics Tuebingen
Classification: Uncertain significance. Last evaluated: 2023-12-01. Review status: criteria provided, single submitter. Criteria: CeGaT Center For Human Genetics Tuebingen Variant Classification Criteria Version 2. Collection method: clinical testing. Allele origin: germline. Affected: yes. Observed: 1 variant allele.
Comment: FGD4: PM2, PP3